The following is an entry in ClinVar:

ClinVar aggregate classification (germline): Uncertain significance (1 of 4 stars; one submission).

Conditions:
X-linked agammaglobulinemia with growth hormone deficiency (IGHD3). Also called: ISOLATED GROWTH HORMONE DEFICIENCY, TYPE III, WITH AGAMMAGLOBULINEMIA; AGAMMAGLOBULINEMIA AND ISOLATED GROWTH HORMONE DEFICIENCY, X-LINKED; Isolated growth hormone deficiency type 3; Growth hormone deficiency with hypogammaglobulinemia; FLEISHER SYNDROME; HYPOGAMMAGLOBULINEMIA AND ISOLATED GROWTH HORMONE DEFICIENCY, X-LINKED. Identifiers: Orphanet 231692, Orphanet 631, MedGen C0472813, MONDO:0010615, OMIM 307200.

Submission:

Labcorp Genetics (formerly Invitae), Labcorp
Classification: Uncertain significance for X-linked agammaglobulinemia with growth hormone deficiency. Last evaluated: 2023-06-25. Review status: criteria provided, single submitter. Criteria: Invitae Variant Classification Sherloc (09022015). Collection method: clinical testing. Allele origin: germline.
Comment: In summary, the available evidence is currently insufficient to determine the role of this variant in disease. Therefore, it has been classified as a Variant of Uncertain Significance. Variants that disrupt the consensus splice site are a relatively common cause of aberrant splicing (PMID: 17576681, 9536098). Algorithms developed to predict the effect of sequence changes on RNA splicing suggest that this variant is not likely to affect RNA splicing. This variant has not been reported in the literature in individuals affected with BTK-related conditions. The frequency data for this variant in the population databases is considered unreliable, as metrics indicate insufficient coverage at this position in the gnomAD database. This variant occurs in a non-coding region of the BTK gene. It does not change the encoded amino acid sequence of the BTK protein. It affects a nucleotide within the consensus splice site.

Literature cited by the submitters: PubMed 17576681; PubMed 9536098.

NM_000061.3(BTK):c.-31+6T>C

Gene: BTK (Bruton tyrosine kinase; minus strand). Cytogenetic location: Xq22.1.
Variant type: single nucleotide variant.
Coding change: c.-31+6T>C on transcript NM_000061.3 (MANE Select); 6 bases into the intron after 31 bases upstream of the start codon, T replaced by C.
Molecular consequence: intron variant.
Genome position (GRCh38, 1-based): chrX:101,386,056, A>G on the plus strand (T>C on the coding strand, the complement: BTK is on the minus strand). VCF-style: chrX-101386056-A-G. GRCh37 (hg19) VCF-style: chrX-100641044-A-G.
Other names: c.72+4422T>C (NM_001287344.2); c.-196+6T>C (NM_001287345.2).
Identifiers: ClinVar variation 2718061 (VCV002718061.3), dbSNP rs2520760892, ClinGen allele CA2697544652.